The following is an entry in ClinVar:

ClinVar aggregate classification (germline): Benign. Review status: criteria provided, multiple submitters, no conflicts (2 of 4 stars). 7 submissions from 7 submitters: Benign (7). Last evaluated 2026-02-04.

Conditions:
Imerslund-Grasbeck syndrome type 1 (IGS1). Also called: Megaloblastic anemia 1, Finnish type; MEGALOBLASTIC ANEMIA, 1; Imerslund-Gräsbeck syndrome 1. Identifiers: MedGen C4016819, MONDO:0100156, OMIM 261100.
Imerslund-Grasbeck syndrome. Also called: ENTEROCYTE COBALAMIN MALABSORPTION; ENTEROCYTE INTRINSIC FACTOR RECEPTOR, DEFECT OF; Imerslund-Gräsbeck syndrome; PERNICIOUS ANEMIA, JUVENILE, DUE TO SELECTIVE INTESTINAL MALABSORPTION OF VITAMIN B12, WITH PROTEINURIA; Megaloblastic anemia due to inborn errors of metabolism. Identifiers: Orphanet 35858, MedGen C4551825, MONDO:0009853.

Allele frequency attached by ClinVar (database versions not stated): 1000 Genomes Project 0.53435; 1000 Genomes Project 30x 0.53654; TOPMed 0.57456; gnomAD 0.57919 and 0.57972; ESP Exome Variant Server 0.58757.
gnomAD v4.1: 1,047,034 of 1,606,728 alleles (65%); highest among the groups gnomAD compares: Non-Finnish European, 69%; 346,564 homozygotes.

Submissions (7):

Labcorp Genetics (formerly Invitae), Labcorp
Classification: Benign for Imerslund-Grasbeck syndrome. Last evaluated: 2026-02-04. Review status: criteria provided, single submitter. Criteria: Invitae Variant Classification Sherloc (09022015). Collection method: clinical testing. Allele origin: germline.

Blueprint Genetics
Classification: Benign. Last evaluated: 2024-11-27. Review status: criteria provided, single submitter. Criteria: ACMG Guidelines, 2015. Collection method: clinical testing. Allele origin: germline.

Mayo Clinic Laboratories, Mayo Clinic
Classification: Benign. Last evaluated: 2022-03-31. Review status: criteria provided, single submitter. Criteria: ACMG Guidelines, 2015. Collection method: clinical testing. Allele origin: germline. Observed: 211 variant alleles.

Genome-Nilou Lab
Classification: Benign for Imerslund-Grasbeck syndrome type 1. Last evaluated: 2021-07-30. Review status: criteria provided, single submitter. Criteria: ACMG Guidelines, 2015. Collection method: clinical testing. Allele origin: germline. Affected: no.

GeneDx
Classification: Benign. Last evaluated: 2018-07-07. Review status: criteria provided, single submitter. Criteria: GeneDx Variant Classification Process June 2021. Collection method: clinical testing. Allele origin: germline. Affected: yes.

Illumina Laboratory Services, Illumina
Classification: Benign for Imerslund-Grasbeck syndrome type 1. Last evaluated: 2018-01-12. Review status: criteria provided, single submitter. Criteria: ICSL Variant Classification Criteria 13 December 2019. Collection method: clinical testing. Allele origin: germline.
Comment: This variant was observed in the ICSL laboratory as part of a predisposition screen in an ostensibly healthy population. It had not been previously curated by ICSL or reported in the Human Gene Mutation Database (HGMD: prior to June 1st, 2018), and was therefore a candidate for classification through an automated scoring system. Utilizing variant allele frequency, disease prevalence and penetrance estimates, and inheritance mode, an automated score was calculated to assess if this variant is too frequent to cause the disease. Based on the score and internal cut-off values, a variant classified as benign is not then subjected to further curation. The score for this variant resulted in a classification of benign for this disease.

Breakthrough Genomics
Classification: Benign. Review status: criteria provided, single submitter. Criteria: ACMG Guidelines, 2015. Collection method: not provided. Allele origin: germline. Inheritance: Autosomal recessive inheritance. Affected: yes.

NM_001081.4(CUBN):c.1165C>A (p.Pro389Thr)

Gene: CUBN (cubilin; minus strand). Cytogenetic location: 10p13.
Variant type: single nucleotide variant.
Coding change: c.1165C>A on transcript NM_001081.4 (MANE Select); coding-DNA position 1165, C replaced by A.
Protein change: p.Pro389Thr; replaces proline 389 with threonine.
Molecular consequence: missense variant.
Genome position (GRCh38, 1-based): chr10:17,105,522, G>T on the plus strand (C>A on the coding strand, the complement: CUBN is on the minus strand). VCF-style: chr10-17105522-G-T. GRCh37 (hg19) VCF-style: chr10-17147521-G-T.
Other names: short protein forms P389T.
Identifiers: ClinVar variation 299527 (VCV000299527.20), dbSNP rs1801224, ClinGen allele CA5425368.